The following is an entry in ClinVar:

NM_001612.6(ACRV1):c.623C>T (p.Thr208Ile)

Genes: ACRV1 (acrosomal vesicle protein 1; minus strand), CHEK1 (checkpoint kinase 1; plus strand). Cytogenetic location: 11q24.2.
Variant type: single nucleotide variant.
Coding change: c.623C>T on transcript NM_001612.6 (MANE Select); coding-DNA position 623, C replaced by T.
Protein change: p.Thr208Ile; replaces threonine 208 with isoleucine.
Molecular consequence: missense variant.
Genome position (GRCh38, 1-based): chr11:125,676,409, G>A on the plus strand (C>T on the coding strand, the complement: ACRV1 is on the minus strand). VCF-style: chr11-125676409-G-A. GRCh37 (hg19) VCF-style: chr11-125546304-G-A.
Other names: c.566C>T, p.Thr189Ile (NM_020069.5); c.458C>T, p.Thr153Ile (NM_020107.5); c.413C>T, p.Thr138Ile (NM_020108.5); short protein forms T138I, T208I, T189I, T153I.
Identifiers: ClinVar variation 161729 (VCV000161729.2), dbSNP rs193921098, ClinGen allele CA174679.

ClinVar aggregate classification (germline): Uncertain significance (0 of 4 stars; one submission).

Conditions:
Prostate cancer. Also called: Malignant tumor of prostate. Identifiers: Orphanet 1331, MedGen C0376358, MONDO:0008315, HP:0012125.

Allele frequency attached by ClinVar (database versions not stated): TOPMed 0.00001; gnomAD 0.00003.
gnomAD v4.1: 6 of 1,613,956 alleles (0.00037%); highest among the groups gnomAD compares: African/African-American, 0.0013%; no homozygotes.

Submission:

Science for Life laboratory,  Karolinska Institutet
Classification: Uncertain significance for Malignant tumor of prostate. Review status: no assertion criteria provided. Collection method: not provided. Allele origin: somatic.
Comment: TumorID:SWE-91A
ClinVar note: Converted during submission from Unknown to Uncertain significance.